The following is an entry in ClinVar:

NM_004370.6(COL12A1):c.4195C>A (p.Arg1399Ser)

Gene: COL12A1 (collagen type XII alpha 1 chain; minus strand). Cytogenetic location: 6q13.
Variant type: single nucleotide variant.
Coding change: c.4195C>A on transcript NM_004370.6 (MANE Select); coding-DNA position 4195, C replaced by A.
Protein change: p.Arg1399Ser; replaces arginine 1399 with serine.
Molecular consequence: missense variant.
Genome position (GRCh38, 1-based): chr6:75,148,450, G>T on the plus strand (C>A on the coding strand, the complement: COL12A1 is on the minus strand). VCF-style: chr6-75148450-G-T. GRCh37 (hg19) VCF-style: chr6-75858166-G-T.
Other names: c.4195C>A, p.Arg1399Ser (NM_001424114.1, NM_001424113.1); c.3922C>A, p.Arg1308Ser (NM_001424115.1); c.703C>A, p.Arg235Ser (NM_001424116.1, NM_080645.3); short protein forms R235S, R1308S, R1399S.
Identifiers: ClinVar variation 4793492 (VCV004793492.1).
Genomic context (GRCh38, chr6:75,148,450, plus strand): 5'-ATTCCACCTTATATCGATCCACACTGTCAGAAGGTGGTGTCCAGCTCACTCTAAAAGAAC[G>T]ATGGGTTCGCTCAGAAATAACTAAGTTAGAAGGTGCTTCCAAATCACCTACACATGGAAA-3'
Protein context (NP_004361.3, residues 1389-1409): SNLVISERTH[Arg1399Ser]SFRVSWTPPS

ClinVar aggregate classification (germline): Uncertain significance (1 of 4 stars; one submission).

Conditions:
Ullrich congenital muscular dystrophy 2 (UCMD2). Identifiers: Orphanet 75840, MedGen C4225314, MONDO:0014654, OMIM 616470.
Bethlem myopathy 2 (BTHLM2). Identifiers: Orphanet 536516, Orphanet 610, MedGen C4225313, MONDO:0034022, OMIM 616471.

Submission:

Labcorp Genetics (formerly Invitae), Labcorp
Classification: Uncertain significance for Bethlem myopathy 2; Ullrich congenital muscular dystrophy 2. Last evaluated: 2025-09-03. Review status: criteria provided, single submitter. Criteria: Invitae Variant Classification Sherloc (09022015). Collection method: clinical testing. Allele origin: germline.
Comment: This sequence change replaces arginine, which is basic and polar, with serine, which is neutral and polar, at codon 1399 of the COL12A1 protein (p.Arg1399Ser). This variant is not present in population databases (gnomAD no frequency). This variant has not been reported in the literature in individuals affected with COL12A1-related conditions. Invitae Evidence Modeling of protein sequence and biophysical properties (such as structural, functional, and spatial information, amino acid conservation, physicochemical variation, residue mobility, and thermodynamic stability) indicates that this missense variant is not expected to disrupt COL12A1 protein function with a negative predictive value of 80%. In summary, the available evidence is currently insufficient to determine the role of this variant in disease. Therefore, it has been classified as a Variant of Uncertain Significance.